The following is an entry in ClinVar:

NM_001199138.2(NLRC4):c.2522-7T>A

Gene: NLRC4 (NLR family CARD domain containing 4; minus strand). Cytogenetic location: 2p22.3.
Variant type: single nucleotide variant.
Coding change: c.2522-7T>A on transcript NM_001199138.2 (MANE Select); 7 bases into the intron before coding-DNA position 2522, T replaced by A.
Molecular consequence: intron variant.
Genome position (GRCh38, 1-based): chr2:32,236,346, A>T on the plus strand (T>A on the coding strand, the complement: NLRC4 is on the minus strand). VCF-style: chr2-32236346-A-T. GRCh37 (hg19) VCF-style: chr2-32461415-A-T.
Other names: c.527-7T>A (NM_001302504.1); c.2522-7T>A (NM_021209.4, NM_001199139.1).
Identifiers: ClinVar variation 1417639 (VCV001417639.8), dbSNP rs763042587, ClinGen allele CA2573134660.

ClinVar aggregate classification (germline): Uncertain significance (1 of 4 stars; one submission).

Conditions:
Familial cold autoinflammatory syndrome 4 (FCAS4). Identifiers: Orphanet 47045, Orphanet 576349, MedGen C4015276, MONDO:0014498, OMIM 616115.
Periodic fever-infantile enterocolitis-autoinflammatory syndrome. Also called: Autoinflammation with infantile enterocolitis. Identifiers: Orphanet 436166, MedGen C4015067, MONDO:0014472, OMIM 616050.

Submission:

Labcorp Genetics (formerly Invitae), Labcorp
Classification: Uncertain significance for Periodic fever-infantile enterocolitis-autoinflammatory syndrome; Familial cold autoinflammatory syndrome 4. Last evaluated: 2022-08-13. Review status: criteria provided, single submitter. Criteria: Invitae Variant Classification Sherloc (09022015). Collection method: clinical testing. Allele origin: germline.
Comment: This variant has not been reported in the literature in individuals affected with NLRC4-related conditions. In summary, the available evidence is currently insufficient to determine the role of this variant in disease. Therefore, it has been classified as a Variant of Uncertain Significance. Algorithms developed to predict the effect of sequence changes on RNA splicing suggest that this variant may disrupt the consensus splice site. ClinVar contains an entry for this variant (Variation ID: 1417639). This variant is not present in population databases (gnomAD no frequency). This sequence change falls in intron 6 of the NLRC4 gene. It does not directly change the encoded amino acid sequence of the NLRC4 protein.